The following is an entry in ClinVar:

ClinVar aggregate classification (germline): Conflicting classifications of pathogenicity. Review status: criteria provided, conflicting classifications (1 of 4 stars). 4 submissions from 4 submitters: Likely pathogenic (2); Uncertain significance (2). Last evaluated 2025-10-30.

Conditions:
Hartsfield-Bixler-Demyer syndrome (HRTFDS). Also called: FGFR1-Related Hartsfield Syndrome; Hartsfield syndrome; Holoprosencephaly, ectrodactyly, and bilateral cleft lip/palate. Identifiers: Orphanet 2117, MedGen C1845146, MONDO:0014196, OMIM 615465. Disease mechanism: loss of function.
FGFR1-related disorder. Also called: FGFR1-related disorders; FGFR1-related condition. Identifiers: MedGen CN380097.
Hypogonadotropic hypogonadism 2 with or without anosmia (HH2). Also called: FGFR1-Related GnRH Deficiency (Kallmann Syndrome 2); HYPOGONADOTROPIC HYPOGONADISM 2 WITHOUT ANOSMIA; HYPOGONADOTROPIC HYPOGONADISM 2 WITH OR WITHOUT ANOSMIA, SUSCEPTIBILITY TO; HYPOGONADOTROPIC HYPOGONADISM 2 WITHOUT ANOSMIA, SUSCEPTIBILITY TO. Identifiers: Orphanet 478, MedGen C1563720, MONDO:0007844, OMIM 147950. Disease mechanism: loss of function.
Pfeiffer syndrome (ACS5). Also called: ACS V. Identifiers: Orphanet 710, MedGen C0220658, MONDO:0007043, OMIM 101600.

Submissions (4):

GeneDx
Classification: Uncertain significance. Last evaluated: 2025-10-30. Review status: criteria provided, single submitter. Criteria: GeneDx Variant Classification Process June 2021. Collection method: clinical testing. Allele origin: germline. Affected: yes.
Comment: Identified in patients with Kallmann syndrome in published literature (PMID: 35945547, 24031091) but additional evidence is not available; Identified in a patient with Kallmann syndrome who inherited the variant from an unaffected father in published literature (PMID: 31748124); Not observed at significant frequency in large population cohorts (gnomAD); In silico analysis supports that this missense variant has a deleterious effect on protein structure/function; This variant is associated with the following publications: (PMID: 18985070, 34636164, 33983622, 24031091, 37880672, 35945547, 35561789, 31748124)

Labcorp Genetics (formerly Invitae), Labcorp
Classification: Uncertain significance for Pfeiffer syndrome; Hypogonadotropic hypogonadism 2 with or without anosmia. Last evaluated: 2025-09-02. Review status: criteria provided, single submitter. Criteria: Invitae Variant Classification Sherloc (09022015). Collection method: clinical testing. Allele origin: germline.
Comment: This sequence change replaces threonine, which is neutral and polar, with methionine, which is neutral and non-polar, at codon 340 of the FGFR1 protein (p.Thr340Met). This variant is not present in population databases (gnomAD no frequency). This missense change has been observed in individuals with clinical features of FGFR1-related conditions (PMID: 24031091, 31748124, 33983622, 37880672). ClinVar contains an entry for this variant (Variation ID: 418207). Invitae Evidence Modeling of protein sequence and biophysical properties (such as structural, functional, and spatial information, amino acid conservation, physicochemical variation, residue mobility, and thermodynamic stability) indicates that this missense variant is not expected to disrupt FGFR1 protein function with a negative predictive value of 80%. This variant disrupts the p.Thr340 amino acid residue in FGFR1. Other variant(s) that disrupt this residue have been observed in individuals with FGFR1-related conditions (PMID: 24031091, 33983622, 37805574), which suggests that this may be a clinically significant amino acid residue. In summary, the available evidence is currently insufficient to determine the role of this variant in disease. Therefore, it has been classified as a Variant of Uncertain Significance.

Blueprint Genetics
Classification: Likely pathogenic for FGFR1-related disorders. Last evaluated: 2024-09-23. Review status: criteria provided, single submitter. Criteria: ACMG Guidelines, 2015. Collection method: clinical testing. Allele origin: germline. Affected: yes. Observed: 1 variant allele.

Medical Genetics Center, Maternal and Child Health Hospital of Hubei Province
Classification: Likely pathogenic for Hartsfield-Bixler-Demyer syndrome. Last evaluated: 2021-07-27. Review status: criteria provided, single submitter. Criteria: ACMG Guidelines, 2015. Collection method: clinical testing. Allele origin: de novo.

Literature cited by the submitters: PubMed 24031091 (cited by Labcorp Genetics (formerly Invitae), Labcorp); PubMed 31748124 (cited by Labcorp Genetics (formerly Invitae), Labcorp); PubMed 33983622 (cited by Labcorp Genetics (formerly Invitae), Labcorp); PubMed 37880672 (cited by Labcorp Genetics (formerly Invitae), Labcorp); PubMed 37805574 (cited by Labcorp Genetics (formerly Invitae), Labcorp).

NM_023110.3(FGFR1):c.1019C>T (p.Thr340Met)

Gene: FGFR1 (fibroblast growth factor receptor 1; minus strand). Cytogenetic location: 8p11.23.
Variant type: single nucleotide variant.
Coding change: c.1019C>T on transcript NM_023110.3 (MANE Select); coding-DNA position 1019, C replaced by T.
Protein change: p.Thr340Met; replaces threonine 340 with methionine.
Molecular consequence: missense variant.
Genome position (GRCh38, 1-based): chr8:38,421,859, G>A on the plus strand (C>T on the coding strand, the complement: FGFR1 is on the minus strand). VCF-style: chr8-38421859-G-A. GRCh37 (hg19) VCF-style: chr8-38279377-G-A.
Other names: c.1019C>T, p.Thr340Met (NM_001174063.2); c.995C>T, p.Thr332Met (NM_001174064.2); c.1013C>T, p.Thr338Met (NM_001174065.2, NM_001354367.2, NM_001354369.2 and 1 more transcripts); c.752C>T, p.Thr251Met (NM_001174066.2, NM_023105.3); c.1112C>T, p.Thr371Met (NM_001174067.2); c.746C>T, p.Thr249Met (NM_001354368.2, NM_001354370.2, NM_023106.3); short protein forms T340M, T251M, T338M, T371M, T249M, T332M.
Identifiers: ClinVar variation 418207 (VCV000418207.8), dbSNP rs1064793123, ClinGen allele CA16618630.